The following is an entry in ClinVar:

ClinVar aggregate classification (germline): Uncertain significance. Review status: criteria provided, multiple submitters, no conflicts (2 of 4 stars). 3 submissions from 3 submitters: Uncertain significance (3). Last evaluated 2024-09-06.

Allele frequency attached by ClinVar (database versions not stated): ExAC 0.00001; gnomAD exomes 0.00001.

Submissions (3):

Blueprint Genetics
Classification: Uncertain significance. Last evaluated: 2024-09-06. Review status: criteria provided, single submitter. Criteria: ACMG Guidelines, 2015. Collection method: clinical testing. Allele origin: germline.

GeneDx
Classification: Uncertain significance. Last evaluated: 2023-11-20. Review status: criteria provided, single submitter. Criteria: GeneDx Variant Classification Process June 2021. Collection method: clinical testing. Allele origin: germline. Affected: yes.
Comment: Not observed at significant frequency in large population cohorts (gnomAD); In silico analysis supports that this missense variant does not alter protein structure/function; Has not been previously published as pathogenic or benign to our knowledge

Ambry Genetics
Classification: Uncertain significance. Last evaluated: 2021-07-14. Review status: criteria provided, single submitter. Criteria: Ambry Variant Classification Scheme 2023. Collection method: clinical testing. Allele origin: germline.

NM_006586.5(CNPY3):c.691A>T (p.Ser231Cys)

Genes: CNPY3 (canopy FGF signaling regulator 3; plus strand), CNPY3-GNMT (CNPY3-GNMT readthrough; plus strand). Cytogenetic location: 6p21.1.
Variant type: single nucleotide variant.
Coding change: c.691A>T on transcript NM_006586.5 (MANE Select); coding-DNA position 691, A replaced by T.
Protein change: p.Ser231Cys; replaces serine 231 with cysteine.
Molecular consequence: missense variant. On other transcripts: non-coding transcript variant (4), intron variant (3).
Genome position (GRCh38, 1-based): chr6:42,938,645, A>T. VCF-style: chr6-42938645-A-T. GRCh37 (hg19) VCF-style: chr6-42906383-A-T.
Other names: c.790A>T, p.Ser264Cys (NM_001318842.1); c.424A>T, p.Ser142Cys (NM_001318845.1); c.8+8924A>T (NM_001318856.2); c.151+8924A>T (NM_001318857.2, NM_001318858.2); c.691A>T (NM_006586.4); short protein forms S264C, S231C, S142C.
Identifiers: ClinVar variation 2237376 (VCV002237376.4), dbSNP rs768042941, ClinGen allele CA3810532.